The following is an entry in ClinVar:

ClinVar aggregate classification (germline): Uncertain significance (1 of 4 stars; one submission).

Conditions:
Breast-ovarian cancer, familial, susceptibility to, 4. Identifiers: Orphanet 145, MedGen C3280345, MONDO:0013669, OMIM 614291.

Allele frequency attached by ClinVar (database versions not stated): gnomAD exomes below 0.00001.

Submission:

Labcorp Genetics (formerly Invitae), Labcorp
Classification: Uncertain significance for Breast-ovarian cancer, familial, susceptibility to, 4. Last evaluated: 2021-07-14. Review status: criteria provided, single submitter. Criteria: Invitae Variant Classification Sherloc (09022015). Collection method: clinical testing. Allele origin: germline.
Comment: Algorithms developed to predict the effect of sequence changes on RNA splicing suggest that this variant may create or strengthen a splice site, but this prediction has not been confirmed by published transcriptional studies. Algorithms developed to predict the effect of missense changes on protein structure and function (SIFT, PolyPhen-2, Align-GVGD) all suggest that this variant is likely to be disruptive, but these predictions have not been confirmed by published functional studies and their clinical significance is uncertain. This variant has not been reported in the literature in individuals with RAD51D-related disease. This variant is not present in population databases (ExAC no frequency). This sequence change replaces alanine with valine at codon 238 of the RAD51D protein (p.Ala238Val). The alanine residue is highly conserved and there is a small physicochemical difference between alanine and valine. In summary, the available evidence is currently insufficient to determine the role of this variant in disease. Therefore, it has been classified as a Variant of Uncertain Significance.

NM_002878.4(RAD51D):c.713C>T (p.Ala238Val)

Genes: RAD51L3-RFFL (RAD51L3-RFFL readthrough; minus strand), RAD51D (RAD51 paralog D; minus strand). Cytogenetic location: 17q12.
Variant type: single nucleotide variant.
Coding change: c.713C>T on transcript NM_002878.4 (MANE Select); coding-DNA position 713, C replaced by T.
Protein change: p.Ala238Val; replaces alanine 238 with valine.
Molecular consequence: missense variant. On other transcripts: non-coding transcript variant (3).
Genome position (GRCh38, 1-based): chr17:35,103,279, G>A on the plus strand (C>T on the coding strand, the complement: RAD51D is on the minus strand). VCF-style: chr17-35103279-G-A. GRCh37 (hg19) VCF-style: chr17-33430298-G-A.
Other names: c.773C>T, p.Ala258Val (NM_001142571.2); c.377C>T, p.Ala126Val (NM_133629.3); short protein forms A238V, A126V, A258V.
Identifiers: ClinVar variation 567884 (VCV000567884.5), dbSNP rs1567726199, ClinGen allele CA399087551.
Genomic context (GRCh38, chr17:35,103,279, plus strand): 5'-GAAATCAAGTTCATTGGCCAAGCCTGCTTCCTCACCACCACTGCCATGCCAAGGTCCCGG[G>A]CCAGGGTCTTCAGCTCTCGGGCCAGCTGCATCATCAAGGCCAAGCCTGCAGGAGGAGGAG-3'
Protein context (NP_002869.3, residues 228-248): MQLARELKTL[Ala238Val]RDLGMAVVVT